The following is an entry in ClinVar:

ClinVar aggregate classification (germline): Uncertain significance (1 of 4 stars; one submission).

Conditions:
Colorectal cancer, hereditary nonpolyposis, type 7. Identifiers: Orphanet 144, MedGen C1858380, MONDO:0013725, OMIM 614385.

Submission:

Labcorp Genetics (formerly Invitae), Labcorp
Classification: Uncertain significance for Colorectal cancer, hereditary nonpolyposis, type 7. Last evaluated: 2024-01-05. Review status: criteria provided, single submitter. Criteria: Invitae Variant Classification Sherloc (09022015). Collection method: clinical testing. Allele origin: germline.
Comment: This sequence change replaces alanine, which is neutral and non-polar, with valine, which is neutral and non-polar, at codon 659 of the MLH3 protein (p.Ala659Val). This variant is not present in population databases (gnomAD no frequency). This variant has not been reported in the literature in individuals affected with MLH3-related conditions. An algorithm developed to predict the effect of missense changes on protein structure and function (PolyPhen-2) suggests that this variant is likely to be tolerated. In summary, the available evidence is currently insufficient to determine the role of this variant in disease. Therefore, it has been classified as a Variant of Uncertain Significance.

NM_001040108.2(MLH3):c.1976C>T (p.Ala659Val)

Gene: MLH3 (mutL homolog 3; minus strand). Cytogenetic location: 14q24.3.
Variant type: single nucleotide variant.
Coding change: c.1976C>T on transcript NM_001040108.2 (MANE Select); coding-DNA position 1976, C replaced by T.
Protein change: p.Ala659Val; replaces alanine 659 with valine.
Molecular consequence: missense variant.
Genome position (GRCh38, 1-based): chr14:75,047,680, G>A on the plus strand (C>T on the coding strand, the complement: MLH3 is on the minus strand). VCF-style: chr14-75047680-G-A. GRCh37 (hg19) VCF-style: chr14-75514383-G-A.
Other names: c.1976C>T, p.Ala659Val (NM_014381.3); short protein forms A659V.
Identifiers: ClinVar variation 2707787 (VCV002707787.3), dbSNP rs2139572389, ClinGen allele CA390443545.